The following is an entry in ClinVar:

NM_020975.6(RET):c.443_445del (p.Ser148del)

Gene: RET (ret proto-oncogene; plus strand). Cytogenetic location: 10q11.21.
Variant type: Deletion.
Coding change: c.443_445del on transcript NM_020975.6 (MANE Select); coding-DNA positions 443 to 445, 3 bases deleted (CCT; older notation c.443_445delCCT).
Protein change: p.Ser148del; deletes serine 148.
Molecular consequence: inframe deletion. On other transcripts: inframe indel (3), intron variant (22).
Genome position (GRCh38, 1-based): chr10:43,102,447-43,102,449, CCT deleted; deleting any 3 consecutive bases within chr10:43,102,445-43,102,449 gives the same sequence; the c. name uses the placement nearest the transcript's 3' end. VCF-style (leftmost placement, unchanged base first): chr10-43102444-TCTC-T. GRCh37 (hg19) VCF-style: chr10-43597892-TCTC-T.
Other names: c.443_445delCCT, p.Ser148del (NM_000323.2, NM_020629.2, NM_020975.4); c.443_445del, p.Ser148del (NM_001406743.1, NM_001406744.1, NM_001406759.1 and 14 more transcripts); c.338-24_338-22del (NM_001406764.1, NM_001406762.1, NM_001406761.1 and 4 more transcripts); c.337+1725_337+1727del (NM_001406770.1, NM_001406766.1, NM_001406767.1 and 8 more transcripts); c.74-6584_74-6582del (NM_001406784.1); c.74-9652_74-9650del (NM_001406794.1, NM_001406792.1, NM_001406793.1); c.443_445del (NM_020975.4); short protein forms S148del.
Identifiers: ClinVar variation 2916120 (VCV002916120.10), dbSNP rs2492157382, ClinGen allele CA645549193.

ClinVar aggregate classification (germline): Conflicting classifications of pathogenicity. Review status: criteria provided, conflicting classifications (1 of 4 stars). 5 submissions from 5 submitters: Pathogenic (1); Likely pathogenic (1); Uncertain significance (3). Last evaluated 2026-05-21.

Conditions:
RET-related disorder. Also called: RET-related condition; RET-related disease; RET-related disorders.
Hereditary cancer-predisposing syndrome. Also called: Tumor predisposition; Hereditary Cancer Syndrome; Neoplastic Syndromes, Hereditary; Hereditary neoplastic syndrome. Identifiers: Orphanet 140162, MedGen C0027672, MeSH D009386, MONDO:0015356.
Multiple endocrine neoplasia, type 2 (MEN2). Identifiers: Orphanet 653, MedGen C4048306, MONDO:0019003. Disease mechanism: gain of function.

Submissions (5):

PreventionGenetics, part of Exact Sciences
Classification: Pathogenic for RET-related condition. Last evaluated: 2026-05-21. Review status: criteria provided, single submitter. Criteria: ACMG Guidelines, 2015. Collection method: clinical testing. Allele origin: germline.
Comment: The RET c.443_445delCCT variant is predicted to result in an in-frame deletion (p.Ser148del). This variant, also described as p.Phe147del and p.Ser147del in the literature, has been reported in several affected and unaffected individuals from multiple families with Hirschsprung disease (Wu et al. 2018. PubMed ID: 30693022; Torroglosa et al. 2014. PubMed ID: 24577265). In vitro functional studies demonstrate this variant impacts RET expression and disrupts the downstream signaling pathway (Wu et al. 2023. PubMed ID: 37193168). This variant has not been reported in a large population database (gnomAD), indicating it is rare, and has conflicting interpretations in ClinVar ranging from uncertain to likely pathogenic (Variation ID: 2916120). Given the evidence, this variant is interpreted as pathogenic.

Ambry Genetics
Classification: Uncertain significance for Hereditary cancer-predisposing syndrome. Last evaluated: 2026-04-29. Review status: criteria provided, single submitter. Criteria: Ambry Variant Classification Scheme 2023. Collection method: clinical testing. Allele origin: germline.
Comment: The c.443_445delCCT variant (also known as p.S148del) is located in coding exon 3 of the RET gene. This variant results from an in-frame CCT deletion at nucleotide positions 443 to 445. This results in the in-frame deletion of a serine at codon 148. This variant, noted as p.Ser147del, was reported in individual(s) with features consistent with Hirschsprung disease (Torroglosa A et al. Genet Med, 2014 Sep;16:703-10). This amino acid position is well conserved in available vertebrate species. In addition, the in silico prediction for this alteration is inconclusive (Choi Y et al. PLoS ONE. 2012; 7(10):e46688). Based on the available evidence, the clinical significance of this alteration remains unclear.

GeneDx
Classification: Likely pathogenic. Last evaluated: 2025-06-26. Review status: criteria provided, single submitter. Criteria: GeneDx Variant Classification Process June 2021. Collection method: clinical testing. Allele origin: germline. Affected: yes.
Comment: Not observed at significant frequency in large population cohorts (gnomAD); In silico analysis supports a deleterious effect on protein structure/function; In-frame deletion of one amino acid in a non-repeat region; This variant is associated with the following publications: (PMID: 24577265, 30693022, 37193168, 14633923)

Labcorp Genetics (formerly Invitae), Labcorp
Classification: Uncertain significance for Multiple endocrine neoplasia, type 2. Last evaluated: 2025-02-25. Review status: criteria provided, single submitter. Criteria: Invitae Variant Classification Sherloc (09022015). Collection method: clinical testing. Allele origin: germline.
Comment: This variant, c.443_445del, results in the deletion of 1 amino acid(s) of the RET protein (p.Ser148del), but otherwise preserves the integrity of the reading frame. This variant is not present in population databases (gnomAD no frequency). This variant has been observed in individual(s) with Hirschsprung disease (PMID: 24577265, 30693022). It has also been observed to segregate with disease in related individuals. This variant is also known as p.Ser147del. ClinVar contains an entry for this variant (Variation ID: 2916120). Algorithms developed to predict the effect of variants on gene product structure and function are not available or were not evaluated for this variant. Experimental studies have shown that this variant affects RET function (PMID: 37193168). In summary, the available evidence is currently insufficient to determine the role of this variant in disease. Therefore, it has been classified as a Variant of Uncertain Significance.

Institute of Human Genetics, Clinical Exome/Genome Diagnostics Group, University Hospital Bonn
Classification: Uncertain significance. Last evaluated: 2023-09-08. Review status: criteria provided, single submitter. Criteria: ACMG Guidelines, 2015. Collection method: clinical testing. Allele origin: paternal.

Literature cited by the submitters: PubMed 24577265 (cited by Ambry Genetics and Labcorp Genetics (formerly Invitae), Labcorp); PubMed 30693022 (cited by Labcorp Genetics (formerly Invitae), Labcorp); PubMed 37193168 (cited by Labcorp Genetics (formerly Invitae), Labcorp).